The following is an entry in ClinVar:

ClinVar aggregate classification (germline): Likely pathogenic (1 of 4 stars; one submission).

Conditions:
Autosomal dominant Charcot-Marie-Tooth disease type 2W. Also called: CHARCOT-MARIE-TOOTH NEUROPATHY, TYPE 2W; CHARCOT-MARIE-TOOTH DISEASE, AXONAL, AUTOSOMAL DOMINANT, TYPE 2W; Charcot-Marie-Tooth disease, axonal, type 2w. Identifiers: Orphanet 488333, MedGen C5567486, MONDO:0014711, OMIM 616625.

Submission:

Laboratorio de Genetica e Diagnostico Molecular, Hospital Israelita Albert Einstein
Classification: Likely pathogenic for Autosomal dominant Charcot-Marie-Tooth disease type 2W. Last evaluated: 2021-08-27. Review status: criteria provided, single submitter. Criteria: ACMG Guidelines, 2015. Collection method: clinical testing. Allele origin: germline. Affected: yes.
Comment: ACMG classification criteria: PVS1 very strong, PM2 moderate

NM_002109.6(HARS1):c.168del (p.Thr58fs)

Gene: HARS1 (histidyl-tRNA synthetase 1; minus strand). Cytogenetic location: 5q31.3.
Variant type: Deletion.
Coding change: c.168del on transcript NM_002109.6 (MANE Select); coding-DNA position 168, one base deleted (C; older notation c.168delC).
Protein change: p.Thr58fs; shifts the reading frame from threonine 58.
Molecular consequence: frameshift variant.
Genome position (GRCh38, 1-based): chr5:140,690,867, G deleted on the plus strand (C on the coding strand, the reverse complement: HARS1 is on the minus strand). VCF-style (leftmost placement, unchanged base first): chr5-140690866-TG-T. GRCh37 (hg19) VCF-style: chr5-140070451-TG-T.
Other names: c.168del, p.Thr58fs (NM_001258040.3, NM_001258041.3, NM_001258042.3 and 2 more transcripts); c.81del, p.Thr29fs (NM_001289094.2); short protein forms T29fs, T58fs.
Identifiers: ClinVar variation 1683585 (VCV001683585.2), dbSNP rs2149845009, ClinGen allele CA2573139047.
Genomic context (GRCh38, chr5:140,690,866, plus strand): 5'-GAGTAGAGTTAGAGACTTTCTCAGTGGCTCCCTACAGGAATGATATTACCTTGGGGGTTT[TG>T]AGCACAAATTTCTGTTTGCTTTCATCAGGACCCAGCTGTGCCTTCAGTTTCAGGAGTTTC-3'